The following is an entry in ClinVar:

NM_025114.4(CEP290):c.1711+6C>T

Gene: CEP290 (centrosomal protein 290; minus strand). Cytogenetic location: 12q21.32.
Variant type: single nucleotide variant.
Coding change: c.1711+6C>T on transcript NM_025114.4 (MANE Select); 6 bases into the intron after coding-DNA position 1711, C replaced by T.
Molecular consequence: intron variant.
Genome position (GRCh38, 1-based): chr12:88,118,477, G>A on the plus strand (C>T on the coding strand, the complement: CEP290 is on the minus strand). VCF-style: chr12-88118477-G-A. GRCh37 (hg19) VCF-style: chr12-88512254-G-A.
Identifiers: ClinVar variation 991676 (VCV000991676.4), dbSNP rs1285486059, ClinGen allele CA606449649.
Genomic context (GRCh38, chr12:88,118,477, plus strand): 5'-AATTTCATATCCAGACAACTCACTTATCAATAATTCTTTTTAAAGGTTTAGAATAACTGA[G>A]TATACCTGAAGTTGCACTTCTTTTTCCTCTTTCTTGAGCCATTTGACGAATTTTTTTTTT-3'

ClinVar aggregate classification (germline): Uncertain significance. Review status: criteria provided, multiple submitters, no conflicts (2 of 4 stars). 3 submissions from 3 submitters: Uncertain significance (2). 1 of the submissions does not count toward it. Last evaluated 2022-05-09.

Conditions:
Meckel-Gruber syndrome. Also called: Dysencephalia splachnocystica; DYSENCEPHALIA SPLANCHNOCYSTICA; GRUBER SYNDROME. Identifiers: Orphanet 564, MedGen C0265215, MONDO:0018921.
Nephronophthisis. Also called: Juvenile Nephronophthisis. Identifiers: Orphanet 655, MedGen C0687120, MONDO:0019005, HP:0000090.
Joubert syndrome. Also called: Familial aplasia of the vermis; CEREBELLOPARENCHYMAL DISORDER IV; JOUBERT-BOLTSHAUSER SYNDROME. Identifiers: Orphanet 475, MedGen C5979921, MONDO:0018772.
Joubert syndrome 5 (JBTS5). Identifiers: Orphanet 2318, MedGen C1857780, MONDO:0012432, OMIM 610188.
Leber congenital amaurosis 10 (LCA10). Identifiers: Orphanet 65, MedGen C1857821, MONDO:0012723, OMIM 611755.
Bardet-Biedl syndrome 14 (BBS14). Identifiers: Orphanet 110, MedGen C2673874, MONDO:0014442, OMIM 615991.
Meckel syndrome, type 4 (MKS4). Also called: MECKEL-GRUBER SYNDROME, TYPE 4. Identifiers: Orphanet 564, MedGen C1970161, MONDO:0012626, OMIM 611134.
Senior-Loken syndrome 6 (SLSN6). Identifiers: Orphanet 3156, MedGen C1857779, MONDO:0012433, OMIM 610189.
Leber congenital amaurosis (LCA). Also called: Leber's amaurosis. Identifiers: Orphanet 65, MedGen C0339527, MeSH D057130, MONDO:0018998.

Allele frequency attached by ClinVar (database versions not stated): TOPMed below 0.00001; gnomAD exomes 0.00001.
gnomAD v4.1: 18 of 1,547,790 alleles (0.0012%); highest among the groups gnomAD compares: East Asian, 0.0024%; no homozygotes.

Submissions (3):

Labcorp Genetics (formerly Invitae), Labcorp
Classification: Uncertain significance for Joubert syndrome; Meckel-Gruber syndrome; Nephronophthisis. Last evaluated: 2022-05-09. Review status: criteria provided, single submitter. Criteria: Invitae Variant Classification Sherloc (09022015). Collection method: clinical testing. Allele origin: germline.
Comment: This sequence change falls in intron 17 of the CEP290 gene. It does not directly change the encoded amino acid sequence of the CEP290 protein. It affects a nucleotide within the consensus splice site. The frequency data for this variant in the population databases is considered unreliable, as metrics indicate poor data quality at this position in the gnomAD database. This variant has not been reported in the literature in individuals affected with CEP290-related conditions. ClinVar contains an entry for this variant (Variation ID: 991676). Variants that disrupt the consensus splice site are a relatively common cause of aberrant splicing (PMID: 17576681, 9536098). Algorithms developed to predict the effect of sequence changes on RNA splicing suggest that this variant is not likely to affect RNA splicing. In summary, the available evidence is currently insufficient to determine the role of this variant in disease. Therefore, it has been classified as a Variant of Uncertain Significance.

Fulgent Genetics
Classification: Uncertain significance for Joubert syndrome 5; Senior-Loken syndrome 6; Meckel syndrome, type 4; Leber congenital amaurosis 10; Bardet-Biedl syndrome 14. Last evaluated: 2021-08-17. Review status: criteria provided, single submitter. Criteria: ACMG Guidelines, 2015. Collection method: clinical testing. Allele origin: unknown.

Natera, Inc.
Classification: Uncertain significance for Leber congenital amaurosis. Last evaluated: 2020-04-17. Review status: no assertion criteria provided. Collection method: clinical testing. Allele origin: germline. Not counted in ClinVar's aggregate classification.

Literature cited by the submitters: PubMed 17576681 (cited by Labcorp Genetics (formerly Invitae), Labcorp); PubMed 9536098 (cited by Labcorp Genetics (formerly Invitae), Labcorp).